The following is an entry in ClinVar:

ClinVar aggregate classification (germline): Conflicting classifications of pathogenicity. Review status: criteria provided, conflicting classifications (1 of 4 stars). 2 submissions from 2 submitters: Uncertain significance (1); Benign (1). Last evaluated 2024-11-15.

Conditions:
Hereditary hemorrhagic telangiectasia (HHT). Also called: Osler hemorrhagic telangiectasia syndrome; ORW DISEASE; Osler Weber Rendu syndrome; OSLER-RENDU-WEBER DISEASE. Identifiers: Orphanet 774, MedGen C0039445, MONDO:0019180. Disease mechanism: loss of function.
Cardiovascular phenotype. Identifiers: MedGen CN230736.

Allele frequency attached by ClinVar (database versions not stated): gnomAD exomes 0.00002 and 0.00003; gnomAD 0.00001; ESP Exome Variant Server 0.00008; ExAC 0.00003; TOPMed 0.00001.
gnomAD v4.1: 25 of 1,610,338 alleles (0.0016%); highest among the groups gnomAD compares: South Asian, 0.0044%; 1 homozygote.

Submissions (2):

Ambry Genetics
Classification: Benign for Cardiovascular phenotype. Last evaluated: 2024-11-15. Review status: criteria provided, single submitter. Criteria: Ambry Variant Classification Scheme 2023. Collection method: clinical testing. Allele origin: germline.

Labcorp Genetics (formerly Invitae), Labcorp
Classification: Uncertain significance for Hereditary hemorrhagic telangiectasia. Last evaluated: 2021-12-21. Review status: criteria provided, single submitter. Criteria: Invitae Variant Classification Sherloc (09022015). Collection method: clinical testing. Allele origin: germline.
Comment: This sequence change replaces threonine, which is neutral and polar, with methionine, which is neutral and non-polar, at codon 233 of the ENG protein (p.Thr233Met). This variant is present in population databases (rs139767471, gnomAD 0.005%). This variant has not been reported in the literature in individuals affected with ENG-related conditions. ClinVar contains an entry for this variant (Variation ID: 528053). Algorithms developed to predict the effect of missense changes on protein structure and function are either unavailable or do not agree on the potential impact of this missense change (SIFT: "Deleterious"; PolyPhen-2: "Probably Damaging"; Align-GVGD: "Class C0"). In summary, the available evidence is currently insufficient to determine the role of this variant in disease. Therefore, it has been classified as a Variant of Uncertain Significance.

NM_001114753.3(ENG):c.698C>T (p.Thr233Met)

Gene: ENG (endoglin; minus strand). Cytogenetic location: 9q34.11.
Variant type: single nucleotide variant.
Coding change: c.698C>T on transcript NM_001114753.3 (MANE Select); coding-DNA position 698, C replaced by T.
Protein change: p.Thr233Met; replaces threonine 233 with methionine.
Molecular consequence: missense variant.
Genome position (GRCh38, 1-based): chr9:127,825,349, G>A on the plus strand (C>T on the coding strand, the complement: ENG is on the minus strand). VCF-style: chr9-127825349-G-A. GRCh37 (hg19) VCF-style: chr9-130587628-G-A.
Other names: c.698C>T (NM_001114753.1); c.698C>T, p.Thr233Met (NM_000118.4, NM_001406715.1); c.152C>T, p.Thr51Met (NM_001278138.2); short protein forms T233M, T51M.
Identifiers: ClinVar variation 528053 (VCV000528053.8), dbSNP rs139767471, ClinGen allele CA5253010.